The following is an entry in ClinVar:

ClinVar aggregate classification (germline): Uncertain significance. Review status: criteria provided, multiple submitters, no conflicts (2 of 4 stars). 2 submissions from 2 submitters: Uncertain significance (2). Last evaluated 2025-05-07.

Conditions:
Inborn genetic diseases. Identifiers: MedGen C0950123, MeSH D030342.

Allele frequency attached by ClinVar (database versions not stated): gnomAD exomes 0.00004.
gnomAD v4.1: 26 of 1,536,080 alleles (0.0017%); highest among the groups gnomAD compares: African/African-American, 0.0082%; no homozygotes.

Submissions (2):

Ambry Genetics
Classification: Uncertain significance for Inborn genetic diseases. Last evaluated: 2025-05-07. Review status: criteria provided, single submitter. Criteria: Ambry Variant Classification Scheme 2023. Collection method: clinical testing. Allele origin: germline.

Labcorp Genetics (formerly Invitae), Labcorp
Classification: Uncertain significance. Last evaluated: 2021-11-17. Review status: criteria provided, single submitter. Criteria: Invitae Variant Classification Sherloc (09022015). Collection method: clinical testing. Allele origin: germline.
Comment: This sequence change replaces aspartic acid, which is acidic and polar, with asparagine, which is neutral and polar, at codon 394 of the FAM20C protein (p.Asp394Asn). This variant is present in population databases (no rsID available, gnomAD 0.01%). This variant has not been reported in the literature in individuals affected with FAM20C-related conditions. Algorithms developed to predict the effect of missense changes on protein structure and function are either unavailable or do not agree on the potential impact of this missense change (SIFT: "Tolerated"; PolyPhen-2: "Possibly Damaging"; Align-GVGD: "Class C0"). In summary, the available evidence is currently insufficient to determine the role of this variant in disease. Therefore, it has been classified as a Variant of Uncertain Significance.

NM_020223.4(FAM20C):c.1180G>A (p.Asp394Asn)

Gene: FAM20C (FAM20C golgi associated secretory pathway kinase; plus strand). Cytogenetic location: 7p22.3.
Variant type: single nucleotide variant.
Coding change: c.1180G>A on transcript NM_020223.4 (MANE Select); coding-DNA position 1180, G replaced by A.
Protein change: p.Asp394Asn; replaces aspartic acid 394 with asparagine.
Molecular consequence: missense variant.
Genome position (GRCh38, 1-based): chr7:255,956, G>A. VCF-style: chr7-255956-G-A. GRCh37 (hg19) VCF-style: chr7-295922-G-A.
Other names: c.1180G>A (NM_020223.2); short protein forms D394N.
Identifiers: ClinVar variation 1446918 (VCV001446918.4), dbSNP rs957382509, ClinGen allele CA152282227.